The following is an entry in ClinVar:

ClinVar aggregate classification (germline): Uncertain significance (1 of 4 stars; one submission).

Conditions:
Luscan-Lumish syndrome. Identifiers: Orphanet 597738, MedGen C4085873, MONDO:0014791, OMIM 616831.

Allele frequency attached by ClinVar (database versions not stated): gnomAD exomes below 0.00001.
gnomAD v4.1: 1 of 1,614,226 alleles (0.000062%); highest among the groups gnomAD compares: African/African-American, 0.0013%; no homozygotes.

Submission:

Labcorp Genetics (formerly Invitae), Labcorp
Classification: Uncertain significance for Luscan-Lumish syndrome. Last evaluated: 2020-03-10. Review status: criteria provided, single submitter. Criteria: Invitae Variant Classification Sherloc (09022015). Collection method: clinical testing. Allele origin: germline.
Comment: In summary, the available evidence is currently insufficient to determine the role of this variant in disease. Therefore, it has been classified as a Variant of Uncertain Significance. Algorithms developed to predict the effect of missense changes on protein structure and function are either unavailable or do not agree on the potential impact of this missense change (SIFT: "Tolerated"; PolyPhen-2: "Probably Damaging"; Align-GVGD: "Class C0"). This variant has not been reported in the literature in individuals with SETD2-related conditions. This variant is not present in population databases (ExAC no frequency). This sequence change replaces proline with serine at codon 2224 of the SETD2 protein (p.Pro2224Ser). The proline residue is moderately conserved and there is a moderate physicochemical difference between proline and serine.

NM_014159.7(SETD2):c.6670C>T (p.Pro2224Ser)

Gene: SETD2 (SET domain containing 2, histone lysine methyltransferase; minus strand). Cytogenetic location: 3p21.31.
Variant type: single nucleotide variant.
Coding change: c.6670C>T on transcript NM_014159.7 (MANE Select); coding-DNA position 6670, C replaced by T.
Protein change: p.Pro2224Ser; replaces proline 2224 with serine.
Molecular consequence: missense variant. On other transcripts: non-coding transcript variant (1).
Genome position (GRCh38, 1-based): chr3:47,057,114, G>A on the plus strand (C>T on the coding strand, the complement: SETD2 is on the minus strand). VCF-style: chr3-47057114-G-A. GRCh37 (hg19) VCF-style: chr3-47098604-G-A.
Other names: c.6538C>T, p.Pro2180Ser (NM_001349370.3); short protein forms P2180S, P2224S.
Identifiers: ClinVar variation 1015096 (VCV001015096.5), dbSNP rs1304905045, ClinGen allele CA352520322.
Genomic context (GRCh38, chr3:47,057,114, plus strand): 5'-TCTGGGCCACATACTGGGAACTGGAAACTTCCACAGGAGCTGCCACATGTGGCACCACTG[G>A]TACTGGTGGAGGGGCAGAAAGGGGTTCTGTAGAATGTCCCACCAAGGGCTGAGCATGATC-3'
Protein context (NP_054878.5, residues 2214-2234): TEPLSAPPPV[Pro2224Ser]VVPHVAAPVE